The following is an entry in ClinVar:

NM_001127671.2(LIFR):c.244del (p.Cys82fs)

Gene: LIFR (LIF receptor subunit alpha; minus strand). Cytogenetic location: 5p13.1.
Variant type: Deletion.
Coding change: c.244del on transcript NM_001127671.2 (MANE Select); coding-DNA position 244, one base deleted (T; older notation c.244delT).
Protein change: p.Cys82fs; shifts the reading frame from cysteine 82.
Molecular consequence: frameshift variant.
Genome position (GRCh38, 1-based): chr5:38,528,739, A deleted on the plus strand (T on the coding strand, the reverse complement: LIFR is on the minus strand); the first of 3 consecutive A bases (chr5:38,528,739-38,528,741); deleting any one gives the same sequence. VCF-style (leftmost placement, unchanged base first): chr5-38528738-CA-C. GRCh37 (hg19) VCF-style: chr5-38528840-CA-C.
Other names: c.244del, p.Cys82fs (NM_001364297.2, NM_001364298.2, NM_002310.6); short protein forms C82fs.
Identifiers: ClinVar variation 4815023 (VCV004815023.1).
Genomic context (GRCh38, chr5:38,528,738, plus strand): 5'-TCTGCAATTCAACCTAGCTCATTGTGAATTAAAGTAAATTAAAATTACCTGTTTTCAATG[CA>C]AACTTCATAATCAGTACCACGGCCTGTTCCAGAGGGTGCTTTCCAAGAACAGTTCCACAC-3'

ClinVar aggregate classification (germline): Likely pathogenic (1 of 4 stars; one submission).

Conditions:
Stuve-Wiedemann syndrome (STWS). Also called: Stüve-Wiedemann syndrome. Identifiers: Orphanet 3206, MedGen C0796176, MONDO:0031280.

Submission:

Natera, Inc.
Classification: Likely pathogenic for Stuve-Wiedemann syndrome. Last evaluated: 2024-09-04. Review status: criteria provided, single submitter. Criteria: Natera Variant Classification Schema (03/2026). Collection method: clinical testing. Allele origin: germline.
Comment: The c.244delT variant in LIFR is a frameshift variant predicted to shift the reading frame beginning at codon 82 and leads to a stop codon 29 codons downstream. This variant is expected to result in nonsense mediated decay, truncation, or a dysfunctional protein product. This variant is rare in the general population with a frequency below the threshold expected for the associated phenotype(s). Given the available evidence, this variant is classified as Likely Pathogenic.